The following is an entry in ClinVar:

ClinVar aggregate classification (germline): Likely benign (1 of 4 stars; one submission).

Allele frequency attached by ClinVar (database versions not stated): gnomAD exomes 0.00002; ExAC 0.00003; gnomAD 0.00005; TOPMed 0.00006; 1000 Genomes Project 30x 0.00016; 1000 Genomes Project 0.00020.
gnomAD v4.1: 43 of 1,614,142 alleles (0.0027%); highest among the groups gnomAD compares: Middle Eastern, 0.033%; no homozygotes.

Submission:

CeGaT Center for Human Genetics Tuebingen
Classification: Likely benign. Last evaluated: 2023-03-01. Review status: criteria provided, single submitter. Criteria: CeGaT Center For Human Genetics Tuebingen Variant Classification Criteria Version 2. Collection method: clinical testing. Allele origin: germline. Affected: yes. Observed: 1 variant allele.
Comment: ZNF132: BP4, BP7

NM_003433.4(ZNF132):c.840T>C (p.Gly280=)

Genes: ZNF132 (zinc finger protein 132; minus strand), ZNF324B (zinc finger protein 324B; plus strand). Cytogenetic location: 19q13.43.
Variant type: single nucleotide variant.
Coding change: c.840T>C on transcript NM_003433.4 (MANE Select); coding-DNA position 840, T replaced by C.
Protein change: p.Gly280=; no amino-acid change (glycine 280 retained).
Molecular consequence: synonymous variant.
Genome position (GRCh38, 1-based): chr19:58,434,604, A>G on the plus strand (T>C on the coding strand, the complement: ZNF132 is on the minus strand). VCF-style: chr19-58434604-A-G. GRCh37 (hg19) VCF-style: chr19-58945971-A-G.
Identifiers: ClinVar variation 2650589 (VCV002650589.24), dbSNP rs144211910, ClinGen allele CA9715827.